The following is an entry in ClinVar:

ClinVar aggregate classification (germline): Uncertain significance (1 of 4 stars; one submission).

Conditions:
Hereditary cancer-predisposing syndrome. Also called: Neoplastic Syndromes, Hereditary; Tumor predisposition; Hereditary neoplastic syndrome; Hereditary Cancer Syndrome. Identifiers: Orphanet 140162, MedGen C0027672, MeSH D009386, MONDO:0015356.

Submission:

Ambry Genetics
Classification: Uncertain significance for Hereditary cancer-predisposing syndrome. Last evaluated: 2023-11-15. Review status: criteria provided, single submitter. Criteria: Ambry Variant Classification Scheme 2023. Collection method: clinical testing. Allele origin: germline.
Comment: The p.G1068R variant (also known as c.3202G>A) is located in coding exon 12 of the PALB2 gene. The glycine at codon 1068 is replaced by arginine, an amino acid with dissimilar properties. This change occurs in the first base pair of coding exon 12. This amino acid position is highly conserved in available vertebrate species. In addition, the in silico prediction for this alteration is inconclusive. Since supporting evidence is limited at this time, the clinical significance of this alteration remains unclear.

NM_024675.4(PALB2):c.3202G>A (p.Gly1068Arg)

Gene: PALB2 (partner and localizer of BRCA2; minus strand). Cytogenetic location: 16p12.2.
Variant type: single nucleotide variant.
Coding change: c.3202G>A on transcript NM_024675.4 (MANE Select); coding-DNA position 3202, G replaced by A.
Protein change: p.Gly1068Arg; replaces glycine 1068 with arginine.
Molecular consequence: missense variant. On other transcripts: intron variant (8).
Genome position (GRCh38, 1-based): chr16:23,608,012, C>T on the plus strand (G>A on the coding strand, the complement: PALB2 is on the minus strand). VCF-style: chr16-23608012-C-T. GRCh37 (hg19) VCF-style: chr16-23619333-C-T.
Other names: c.3142G>A, p.Gly1048Arg (NM_001407296.1); c.3130G>A, p.Gly1044Arg (NM_001407297.1); c.3040G>A, p.Gly1014Arg (NM_001407298.1); c.2923G>A, p.Gly975Arg (NM_001407300.1); c.2317G>A, p.Gly773Arg (NM_001407304.1, NM_001407305.1, NM_001407306.1); c.2155G>A, p.Gly719Arg (NM_001407307.1); c.1414G>A, p.Gly472Arg (NM_001407312.1); c.736G>A, p.Gly246Arg (NM_001407314.1); and 6 more; short protein forms G1014R, G1044R, G1048R, G1068R, G246R, G472R, G719R, G773R.
Identifiers: ClinVar variation 3228026 (VCV003228026.1), dbSNP rs1567207006, ClinGen allele CA395140140.
Genomic context (GRCh38, chr16:23,608,012, plus strand): 5'-GGCTTCGCAACGACTCACTCTCTTTGGCACAGGGATGACTCAGGACAATAAAGAGAAGCC[C>T]CTAATTTCGGAGAAAAATAAATATCCCAAATAGACTGTCAAGAGTATGTCAGGAAAAATA-3'
Protein context (NP_078951.2, residues 1058-1078): SVCHKAYSEM[Gly1068Arg]LLFIVLSHPC